The following is an entry in ClinVar:

ClinVar aggregate classification (germline): Uncertain significance (1 of 4 stars; one submission).

Conditions:
Hyperekplexia 2 (HKPX2). Identifiers: Orphanet 3197, MedGen C3553291, MONDO:0013828, OMIM 614619.

Allele frequency attached by ClinVar (database versions not stated): gnomAD exomes below 0.00001; gnomAD 0.00001; TOPMed 0.00001.
gnomAD v4.1: 5 of 1,397,422 alleles (0.00036%); highest among the groups gnomAD compares: African/African-American, 0.0043%; no homozygotes.

Submission:

Labcorp Genetics (formerly Invitae), Labcorp
Classification: Uncertain significance for Hyperekplexia 2. Last evaluated: 2022-04-12. Review status: criteria provided, single submitter. Criteria: Invitae Variant Classification Sherloc (09022015). Collection method: clinical testing. Allele origin: germline.
Comment: This sequence change affects codon 76 of the GLRB mRNA. It is a 'silent' change, meaning that it does not change the encoded amino acid sequence of the GLRB protein. It affects a nucleotide within the consensus splice site. This variant is present in population databases (no rsID available, gnomAD 0.01%). This variant has not been reported in the literature in individuals affected with GLRB-related conditions. Algorithms developed to predict the effect of sequence changes on RNA splicing suggest that this variant may disrupt the consensus splice site. In summary, the available evidence is currently insufficient to determine the role of this variant in disease. Therefore, it has been classified as a Variant of Uncertain Significance.

NM_000824.5(GLRB):c.228A>G (p.Lys76=)

Gene: GLRB (glycine receptor beta; plus strand). Cytogenetic location: 4q32.1.
Variant type: single nucleotide variant.
Coding change: c.228A>G on transcript NM_000824.5 (MANE Select); coding-DNA position 228, A replaced by G.
Protein change: p.Lys76=; no amino-acid change (lysine 76 retained).
Molecular consequence: synonymous variant.
Genome position (GRCh38, 1-based): chr4:157,120,661, A>G. VCF-style: chr4-157120661-A-G. GRCh37 (hg19) VCF-style: chr4-158041813-A-G.
Other names: c.228A>G, p.Lys76= (NM_001166060.2, NM_001166061.2).
Identifiers: ClinVar variation 1961091 (VCV001961091.2), dbSNP rs1414378115, ClinGen allele CA441999768.